The following is an entry in ClinVar:

NM_013275.6(ANKRD11):c.7018dup (p.Arg2340fs)

Gene: ANKRD11 (ankyrin repeat domain 11; minus strand). Cytogenetic location: 16q24.3.
Variant type: Duplication.
Coding change: c.7018dup on transcript NM_013275.6 (MANE Select); coding-DNA position 7018, one base duplicated (C; older notation c.7018dupC).
Protein change: p.Arg2340fs; shifts the reading frame from arginine 2340.
Molecular consequence: frameshift variant.
Genome position (GRCh38, 1-based): chr16:89,279,524, G duplicated on the plus strand (C on the coding strand, the reverse complement: ANKRD11 is on the minus strand); the first of 2 consecutive G bases (chr16:89,279,524-89,279,525); duplicating either gives the same sequence. VCF-style (leftmost placement, unchanged base first): chr16-89279523-C-CG. GRCh37 (hg19) VCF-style: chr16-89345931-C-CG.
Other names: c.7018dup, p.Arg2340fs (NM_001256182.2, NM_001256183.2); short protein forms R2340fs.
Identifiers: ClinVar variation 3659166 (VCV003659166.2).

ClinVar aggregate classification (germline): Pathogenic (1 of 4 stars; one submission).

Conditions:
KBG syndrome (KBGS). Also called: ANKRD11-Related KBG Syndrome. Identifiers: Orphanet 2332, MedGen C0220687, MONDO:0007846, OMIM 148050.

Submission:

Labcorp Genetics (formerly Invitae), Labcorp
Classification: Pathogenic for KBG syndrome. Last evaluated: 2024-07-17. Review status: criteria provided, single submitter. Criteria: Invitae Variant Classification Sherloc (09022015). Collection method: clinical testing. Allele origin: germline.
Comment: This sequence change creates a premature translational stop signal (p.Arg2340Profs*192) in the ANKRD11 gene. It is expected to result in an absent or disrupted protein product. Loss-of-function variants in ANKRD11 are known to be pathogenic (PMID: 21782149, 25125236, 25413698, 25652421). This variant is not present in population databases (gnomAD no frequency). This variant has not been reported in the literature in individuals affected with ANKRD11-related conditions. For these reasons, this variant has been classified as Pathogenic.

Literature cited by the submitters: PubMed 21782149; PubMed 25125236; PubMed 25413698; PubMed 25652421.